The following is an entry in ClinVar:

ClinVar aggregate classification (germline): Uncertain significance (1 of 4 stars; one submission).

Conditions:
Leigh syndrome (NULS). Also called: Leigh's necrotizing encephalopathy; Leigh's disease; Leigh Syndrome (mtDNA deletion); Leigh Disease; Subacute necrotizing encephalopathy; Necrotizing encephalopathy infantile subacute of Leigh. Identifiers: Orphanet 506, MedGen C2931891, MONDO:0009723, OMIM 256000.

Submission:

Wong Mito Lab, Molecular and Human Genetics, Baylor College of Medicine
Classification: Uncertain significance for Leigh syndrome. Last evaluated: 2019-10-17. Review status: criteria provided, single submitter. Criteria: Modified ACMG Guidelines (Unpublished). Collection method: clinical testing. Allele origin: germline.
Comment: The NC_012920.1:m.9367T>C (YP_003024032.1:p.Met54Thr) variant in MTCO3 gene is interpretated to be a Uncertain Significance variant based on the modified ACMG guidelines (unpublished). This variant meets the following evidence codes: BP4

NC_012920.1(MT-CO3):m.9367T>C

Gene: MT-CO3 (mitochondrially encoded cytochrome c oxidase III; plus strand).
Variant type: single nucleotide variant.
Genome position: chrM-9367-T-C.
Identifiers: ClinVar variation 693157 (VCV000693157.1), dbSNP rs1603222274, ClinGen allele CA414802779.